The following is an entry in ClinVar:

ClinVar aggregate classification (germline): Uncertain significance (1 of 4 stars; one submission).

Conditions:
Congenital dyserythropoietic anemia, type II (CDAN2). Also called: DYSERYTHROPOIETIC ANEMIA, HEMPAS TYPE. Identifiers: Orphanet 98873, MedGen C1306589, MONDO:0009134, OMIM 224100.
Cowden syndrome 7 (CWS7). Identifiers: Orphanet 201, MedGen C4225179, MONDO:0014802, OMIM 616858.

Submission:

Labcorp Genetics (formerly Invitae), Labcorp
Classification: Uncertain significance for Congenital dyserythropoietic anemia, type II; Cowden syndrome 7. Last evaluated: 2025-10-29. Review status: criteria provided, single submitter. Criteria: Invitae Variant Classification Sherloc (09022015). Collection method: clinical testing. Allele origin: germline.
Comment: This sequence change replaces glutamic acid, which is acidic and polar, with valine, which is neutral and non-polar, at codon 12 of the SEC23B protein (p.Glu12Val). This variant is not present in population databases (gnomAD no frequency). This variant has not been reported in the literature in individuals affected with SEC23B-related conditions. Invitae Evidence Modeling of protein sequence and biophysical properties (such as structural, functional, and spatial information, amino acid conservation, physicochemical variation, residue mobility, and thermodynamic stability) indicates that this missense variant is expected to disrupt SEC23B protein function with a positive predictive value of 95%. In summary, the available evidence is currently insufficient to determine the role of this variant in disease. Therefore, it has been classified as a Variant of Uncertain Significance.

NM_006363.6(SEC23B):c.35A>T (p.Glu12Val)

Gene: SEC23B (SEC23 homolog B, COPII component; plus strand). Cytogenetic location: 20p11.23.
Variant type: single nucleotide variant.
Coding change: c.35A>T on transcript NM_006363.6 (MANE Select); coding-DNA position 35, A replaced by T.
Protein change: p.Glu12Val; replaces glutamic acid 12 with valine.
Molecular consequence: missense variant.
Genome position (GRCh38, 1-based): chr20:18,510,870, A>T. VCF-style: chr20-18510870-A-T. GRCh37 (hg19) VCF-style: chr20-18491514-A-T.
Other names: c.35A>T, p.Glu12Val (NM_001172745.3, NM_001172746.3, NM_032985.6 and 1 more transcripts); short protein forms E12V.
Identifiers: ClinVar variation 4795058 (VCV004795058.1).
Genomic context (GRCh38, chr20:18,510,870, plus strand): 5'-TTTTATCTTCAGTTCCCTTTTAGACTATGGCGACATACCTGGAGTTCATCCAGCAGAATG[A>T]AGAACGGGATGGTGTGCGTTTTAGTTGGAACGTGTGGCCTTCCAGCCGGCTGGAGGCTAC-3'
Protein context (NP_006354.2, residues 2-22): ATYLEFIQQN[Glu12Val]ERDGVRFSWN